The following is an entry in ClinVar:

NM_014336.5(AIPL1):c.1081G>A (p.Glu361Lys)

Gene: AIPL1 (AIP like 1 HSP90 co-chaperone; minus strand). Cytogenetic location: 17p13.2.
Variant type: single nucleotide variant.
Coding change: c.1081G>A on transcript NM_014336.5 (MANE Select); coding-DNA position 1081, G replaced by A.
Protein change: p.Glu361Lys; replaces glutamic acid 361 with lysine.
Molecular consequence: missense variant. On other transcripts: 3 prime UTR variant (1).
Genome position (GRCh38, 1-based): chr17:6,425,534, C>T on the plus strand (G>A on the coding strand, the complement: AIPL1 is on the minus strand). VCF-style: chr17-6425534-C-T. GRCh37 (hg19) VCF-style: chr17-6328854-C-T.
Other names: c.892G>A, p.Glu298Lys (NM_001033054.3); c.901G>A, p.Glu301Lys (NM_001033055.3); c.1045G>A, p.Glu349Lys (NM_001285399.3); c.1015G>A, p.Glu339Lys (NM_001285400.3); c.1009G>A, p.Glu337Lys (NM_001285401.3); c.964G>A, p.Glu322Lys (NM_001285402.2); c.*1052G>A (NM_001285403.4); short protein forms E298K, E301K, E322K, E337K, E339K, E349K, E361K.
Identifiers: ClinVar variation 1010399 (VCV001010399.8), dbSNP rs1278686032, ClinGen allele CA397394299.

ClinVar aggregate classification (germline): Uncertain significance (1 of 4 stars; one submission).

Conditions:
Leber congenital amaurosis 4 (LCA4). Identifiers: MedGen C1858386, MONDO:0011458, OMIM 604393.

gnomAD v4.1: 1 of 1,612,174 alleles (0.000062%); highest among the groups gnomAD compares: East Asian, 0.0022%; no homozygotes.

Submission:

Labcorp Genetics (formerly Invitae), Labcorp
Classification: Uncertain significance for Leber congenital amaurosis 4. Last evaluated: 2020-04-11. Review status: criteria provided, single submitter. Criteria: Invitae Variant Classification Sherloc (09022015). Collection method: clinical testing. Allele origin: germline.
Comment: This sequence change replaces glutamic acid with lysine at codon 361 of the AIPL1 protein (p.Glu361Lys). The glutamic acid residue is weakly conserved and there is a small physicochemical difference between glutamic acid and lysine. This variant is not present in population databases (ExAC no frequency). This variant has not been reported in the literature in individuals with AIPL1-related conditions. In summary, the available evidence is currently insufficient to determine the role of this variant in disease. Therefore, it has been classified as a Variant of Uncertain Significance.